The following is an entry in ClinVar:

NM_014244.5(ADAMTS2):c.3038A>C (p.Gln1013Pro)

Gene: ADAMTS2 (ADAM metallopeptidase with thrombospondin type 1 motif 2; minus strand). Cytogenetic location: 5q35.3.
Variant type: single nucleotide variant.
Coding change: c.3038A>C on transcript NM_014244.5 (MANE Select); coding-DNA position 3038, A replaced by C.
Protein change: p.Gln1013Pro; replaces glutamine 1013 with proline.
Molecular consequence: missense variant.
Genome position (GRCh38, 1-based): chr5:179,122,694, T>G on the plus strand (A>C on the coding strand, the complement: ADAMTS2 is on the minus strand). VCF-style: chr5-179122694-T-G. GRCh37 (hg19) VCF-style: chr5-178549695-T-G.
Other names: c.3038A>C (NM_014244.4); short protein forms Q1013P.
Identifiers: ClinVar variation 374584 (VCV000374584.50), dbSNP rs371013989, ClinGen allele CA3595322.

ClinVar aggregate classification (germline): Uncertain significance. Review status: criteria provided, multiple submitters, no conflicts (2 of 4 stars). 4 submissions from 4 submitters: Uncertain significance (3). 1 of the submissions does not count toward it. Last evaluated 2022-05-17.

Conditions:
Ehlers-Danlos syndrome, dermatosparaxis type. Also called: Ehlers-Danlos syndrome, type VII, autosomal recessive; Dermatosparaxis; EDS VIIC. Identifiers: Orphanet 1901, MedGen C2700425, MONDO:0009161, OMIM 225410.

Allele frequency attached by ClinVar (database versions not stated): TOPMed 0.00002; gnomAD exomes 0.00003; ExAC 0.00005; gnomAD 0.00005; ESP Exome Variant Server 0.00008.
gnomAD v4.1: 61 of 1,551,560 alleles (0.0039%); highest among the groups gnomAD compares: Non-Finnish European, 0.0041%; no homozygotes.

Submissions (4):

GeneDx
Classification: Uncertain significance. Last evaluated: 2022-05-17. Review status: criteria provided, single submitter. Criteria: GeneDx Variant Classification Process June 2021. Collection method: clinical testing. Allele origin: germline. Affected: yes.
Comment: Not observed at significant frequency in large population cohorts (gnomAD); In silico analysis supports that this missense variant does not alter protein structure/function; Reported in ClinVar but additional evidence is not available (ClinVar Variant ID#374584)

CeGaT Center for Human Genetics Tuebingen
Classification: Uncertain significance. Last evaluated: 2021-11-01. Review status: criteria provided, single submitter. Criteria: CeGaT Center For Human Genetics Tuebingen Variant Classification Criteria Version 2. Collection method: clinical testing. Allele origin: germline. Affected: yes. Observed: 1 variant allele.

Labcorp Genetics (formerly Invitae), Labcorp
Classification: Uncertain significance for Ehlers-Danlos syndrome, dermatosparaxis type. Last evaluated: 2021-09-09. Review status: criteria provided, single submitter. Criteria: Invitae Variant Classification Sherloc (09022015). Collection method: clinical testing. Allele origin: germline.
Comment: This sequence change replaces glutamine with proline at codon 1013 of the ADAMTS2 protein (p.Gln1013Pro). The glutamine residue is weakly conserved and there is a moderate physicochemical difference between glutamine and proline. This variant is present in population databases (rs371013989, ExAC 0.01%). This variant has not been reported in the literature in individuals affected with ADAMTS2-related conditions. ClinVar contains an entry for this variant (Variation ID: 374584). Algorithms developed to predict the effect of missense changes on protein structure and function are either unavailable or do not agree on the potential impact of this missense change (SIFT: "Deleterious"; PolyPhen-2: "Benign"; Align-GVGD: "Class C15"). In summary, the available evidence is currently insufficient to determine the role of this variant in disease. Therefore, it has been classified as a Variant of Uncertain Significance.

Natera, Inc.
Classification: Uncertain significance for Ehlers-Danlos syndrome type VIIC. Last evaluated: 2019-10-28. Review status: no assertion criteria provided. Collection method: clinical testing. Allele origin: germline. Not counted in ClinVar's aggregate classification.